The following is an entry in ClinVar:

NM_005732.4(RAD50):c.213+3A>G

Gene: RAD50 (RAD50 double strand break repair protein; plus strand). Cytogenetic location: 5q31.1.
Variant type: single nucleotide variant.
Coding change: c.213+3A>G on transcript NM_005732.4 (MANE Select); 3 bases into the intron after coding-DNA position 213, A replaced by G.
Molecular consequence: intron variant.
Genome position (GRCh38, 1-based): chr5:132,559,370, A>G. VCF-style: chr5-132559370-A-G. GRCh37 (hg19) VCF-style: chr5-131895062-A-G.
Identifiers: ClinVar variation 482113 (VCV000482113.10), dbSNP rs752806052, ClinGen allele CA658657494.

ClinVar aggregate classification (germline): Uncertain significance. Review status: criteria provided, multiple submitters, no conflicts (2 of 4 stars). 2 submissions from 2 submitters: Uncertain significance (2). Last evaluated 2022-07-13.

Conditions:
Hereditary cancer-predisposing syndrome. Also called: Neoplastic Syndromes, Hereditary; Tumor predisposition; Hereditary Cancer Syndrome; Hereditary neoplastic syndrome. Identifiers: Orphanet 140162, MedGen C0027672, MeSH D009386, MONDO:0015356.

Submissions (2):

Labcorp Genetics (formerly Invitae), Labcorp
Classification: Uncertain significance for Hereditary cancer-predisposing syndrome. Last evaluated: 2022-07-13. Review status: criteria provided, single submitter. Criteria: Invitae Variant Classification Sherloc (09022015). Collection method: clinical testing. Allele origin: germline.
Comment: This sequence change falls in intron 2 of the RAD50 gene. It does not directly change the encoded amino acid sequence of the RAD50 protein. It affects a nucleotide within the consensus splice site. This variant is not present in population databases (gnomAD no frequency). This variant has not been reported in the literature in individuals affected with RAD50-related conditions. ClinVar contains an entry for this variant (Variation ID: 482113). Variants that disrupt the consensus splice site are a relatively common cause of aberrant splicing (PMID: 17576681, 9536098). Algorithms developed to predict the effect of sequence changes on RNA splicing suggest that this variant is not likely to affect RNA splicing. In summary, the available evidence is currently insufficient to determine the role of this variant in disease. Therefore, it has been classified as a Variant of Uncertain Significance.

Ambry Genetics
Classification: Uncertain significance for Hereditary cancer-predisposing syndrome. Last evaluated: 2016-07-07. Review status: criteria provided, single submitter. Criteria: Ambry Variant Classification Scheme 2023. Collection method: clinical testing. Allele origin: germline.
Comment: The c.213+3A>G intronic variant results from an A to G substitution 3 nucleotides after coding exon 2 in the RAD50 gene. This variant was not reported in population based cohorts in the following databases: Database of Single Nucleotide Polymorphisms (dbSNP), NHLBI Exome Sequencing Project (ESP), and 1000 Genomes Project. In the ESP, this variant was not observed in 6491 samples (12982 alleles) with coverage at this position. To date, this alteration has been detected with an allele frequency of approximately 0.001% (greater than 175000 alleles tested) in our clinical cohort. This nucleotide position is highly conserved in available vertebrate species. Using the BDGP and ESEfinder splice site prediction tools, this alteration is predicted to weaken the efficiency of the native splice donor site; however, direct evidence is unavailable. Since supporting evidence is limited at this time, the clinical significance of this alteration remains unclear.

Literature cited by the submitters: PubMed 17576681 (cited by Labcorp Genetics (formerly Invitae), Labcorp); PubMed 9536098 (cited by Labcorp Genetics (formerly Invitae), Labcorp).